The following is an entry in ClinVar:

NM_173630.4(RTTN):c.2053G>T (p.Glu685Ter)

Gene: RTTN (rotatin; minus strand). Cytogenetic location: 18q22.2.
Variant type: single nucleotide variant.
Coding change: c.2053G>T on transcript NM_173630.4 (MANE Select); coding-DNA position 2053, G replaced by T.
Protein change: p.Glu685Ter; replaces glutamic acid 685 with a stop codon.
Molecular consequence: nonsense. On other transcripts: 5 prime UTR variant (1).
Genome position (GRCh38, 1-based): chr18:70,150,610, C>A on the plus strand (G>T on the coding strand, the complement: RTTN is on the minus strand). VCF-style: chr18-70150610-C-A. GRCh37 (hg19) VCF-style: chr18-67817846-C-A.
Other names: c.-595G>T (NM_001318520.2); short protein forms E685*.
Identifiers: ClinVar variation 1952936 (VCV001952936.5), dbSNP rs1301097050, ClinGen allele CA402696399.

ClinVar aggregate classification (germline): Pathogenic (1 of 4 stars; one submission).

Allele frequency attached by ClinVar (database versions not stated): gnomAD exomes below 0.00001; TOPMed below 0.00001.
gnomAD v4.1: 1 of 1,611,884 alleles (0.000062%); highest among the groups gnomAD compares: Admixed American, 0.0017%; no homozygotes.

Submission:

Labcorp Genetics (formerly Invitae), Labcorp
Classification: Pathogenic. Last evaluated: 2022-08-09. Review status: criteria provided, single submitter. Criteria: Invitae Variant Classification Sherloc (09022015). Collection method: clinical testing. Allele origin: germline.
Comment: For these reasons, this variant has been classified as Pathogenic. This variant has not been reported in the literature in individuals affected with RTTN-related conditions. This variant is present in population databases (no rsID available, gnomAD 0.003%). This sequence change creates a premature translational stop signal (p.Glu685*) in the RTTN gene. It is expected to result in an absent or disrupted protein product. Loss-of-function variants in RTTN are known to be pathogenic (PMID: 26608784, 26846091).

Literature cited by the submitters: PubMed 26608784; PubMed 26846091.